The following is an entry in ClinVar:

ClinVar aggregate classification (germline): Benign/Likely benign. Review status: criteria provided, multiple submitters, no conflicts (2 of 4 stars). 12 submissions from 9 submitters: Benign (11); Likely benign (1). Last evaluated 2026-02-04.

Conditions:
Atypical hemolytic-uremic syndrome with C3 anomaly. Also called: AHUS, SUSCEPTIBILITY TO, 5. Identifiers: Orphanet 2134, MedGen C2752037, MONDO:0013043, OMIM 612925.
Age related macular degeneration 9. Identifiers: MedGen C1969651, MONDO:0012659, OMIM 611378.
Atypical hemolytic-uremic syndrome. Identifiers: Orphanet 2134, MedGen C2931788, MONDO:0016244.
Complement component 3 deficiency. Identifiers: Orphanet 280133, MedGen C3151071, MONDO:0013417, OMIM 613779.
C3 glomerulonephritis. Also called: C3 GLOMERULOPATHY 3; Nephropathy due to CFHR5 Deficiency. Identifiers: Orphanet 329931, MedGen C4055342, MONDO:0013892, OMIM 614809.

Allele frequency attached by ClinVar (database versions not stated): gnomAD exomes 0.31263 and 0.35284; ExAC 0.35200; ESP Exome Variant Server 0.36045; gnomAD 0.36996 and 0.37165; TOPMed 0.38195; 1000 Genomes Project 0.43530; 1000 Genomes Project 30x 0.43567.
gnomAD v4.1: 513,525 of 1,612,958 alleles (32%); highest among the groups gnomAD compares: African/African-American, 53%; 86,070 homozygotes.

Submissions (12):

Labcorp Genetics (formerly Invitae), Labcorp
Classification: Benign. Last evaluated: 2026-02-04. Review status: criteria provided, single submitter. Criteria: Invitae Variant Classification Sherloc (09022015). Collection method: clinical testing. Allele origin: germline.

Women's Health and Genetics/Laboratory Corporation of America, LabCorp
Classification: Benign. Last evaluated: 2026-01-21. Review status: criteria provided, single submitter. Criteria: LabCorp Variant Classification Summary - May 2015. Collection method: clinical testing. Allele origin: germline.

Genomenon, Inc
Classification: Benign for Complement component 3 deficiency; C3 glomerulonephritis; Atypical hemolytic-uremic syndrome. Last evaluated: 2025-09-30. Review status: criteria provided, single submitter. Criteria: Genomenon Sequence Variant Interpretation Standards. Collection method: curation. Allele origin: germline. Affected: no.
Comment: C3 p.Val564= (c.1692G>A) is a synonymous variant that retains Valine at residue 564. This variant is present at high allele frequency in population databases. In conclusion, we classify C3 p.Val564= (c.1692G>A) as a benign variant.

Blueprint Genetics
Classification: Likely benign. Last evaluated: 2024-11-28. Review status: criteria provided, single submitter. Criteria: ACMG Guidelines, 2015. Collection method: clinical testing. Allele origin: germline.

Mayo Clinic Laboratories, Mayo Clinic
Classification: Benign. Last evaluated: 2022-03-10. Review status: criteria provided, single submitter. Criteria: ACMG Guidelines, 2015. Collection method: clinical testing. Allele origin: germline. Observed: 2,001 variant alleles.

Genome-Nilou Lab
Classification: Benign for Complement component 3 deficiency. Last evaluated: 2021-07-14. Review status: criteria provided, single submitter. Criteria: ACMG Guidelines, 2015. Collection method: clinical testing. Allele origin: germline. Affected: no.

Genome-Nilou Lab
Classification: Benign for Age related macular degeneration 9. Last evaluated: 2021-07-14. Review status: criteria provided, single submitter. Criteria: ACMG Guidelines, 2015. Collection method: clinical testing. Allele origin: germline. Affected: no.

GeneDx
Classification: Benign. Last evaluated: 2018-07-06. Review status: criteria provided, single submitter. Criteria: GeneDx Variant Classification Process June 2021. Collection method: clinical testing. Allele origin: germline. Affected: yes.

Illumina Laboratory Services, Illumina
Classification: Benign for Age related macular degeneration 9. Last evaluated: 2018-01-13. Review status: criteria provided, single submitter. Criteria: ICSL Variant Classification Criteria 13 December 2019. Collection method: clinical testing. Allele origin: germline.
Comment: This variant was observed in the ICSL laboratory as part of a predisposition screen in an ostensibly healthy population. It had not been previously curated by ICSL or reported in the Human Gene Mutation Database (HGMD: prior to June 1st, 2018), and was therefore a candidate for classification through an automated scoring system. Utilizing variant allele frequency, disease prevalence and penetrance estimates, and inheritance mode, an automated score was calculated to assess if this variant is too frequent to cause the disease. Based on the score and internal cut-off values, a variant classified as benign is not then subjected to further curation. The score for this variant resulted in a classification of benign for this disease.

Illumina Laboratory Services, Illumina
Classification: Benign for Complement component 3 deficiency. Last evaluated: 2018-01-13. Review status: criteria provided, single submitter. Criteria: ICSL Variant Classification Criteria 13 December 2019. Collection method: clinical testing. Allele origin: germline.
Comment: the same text as in the submission from Illumina Laboratory Services, Illumina above.

Illumina Laboratory Services, Illumina
Classification: Benign for Atypical hemolytic-uremic syndrome with C3 anomaly. Last evaluated: 2018-01-13. Review status: criteria provided, single submitter. Criteria: ICSL Variant Classification Criteria 13 December 2019. Collection method: clinical testing. Allele origin: germline.
Comment: the same text as in the submission from Illumina Laboratory Services, Illumina above.

Breakthrough Genomics
Classification: Benign. Review status: criteria provided, single submitter. Criteria: ACMG Guidelines, 2015. Collection method: not provided. Allele origin: germline. Inheritance: Autosomal recessive inheritance. Affected: yes.

NM_000064.4(C3):c.1692G>A (p.Val564=)

Gene: C3 (complement C3; minus strand). Cytogenetic location: 19p13.3.
Variant type: single nucleotide variant.
Coding change: c.1692G>A on transcript NM_000064.4 (MANE Select); coding-DNA position 1692, G replaced by A.
Protein change: p.Val564=; no amino-acid change (valine 564 retained).
Molecular consequence: synonymous variant.
Genome position (GRCh38, 1-based): chr19:6,709,837, C>T on the plus strand (G>A on the coding strand, the complement: C3 is on the minus strand). VCF-style: chr19-6709837-C-T. GRCh37 (hg19) VCF-style: chr19-6709848-C-T.
Other names: p.Val564=; c.1692G>A (LRG_27t1, NM_000064.3).
Identifiers: ClinVar variation 330321 (VCV000330321.24), dbSNP rs2230204, ClinGen allele CA9129354.